The following is an entry in ClinVar:

NM_006514.4(SCN10A):c.1529C>T (p.Pro510Leu)

Gene: SCN10A (sodium voltage-gated channel alpha subunit 10; minus strand). Cytogenetic location: 3p22.2.
Variant type: single nucleotide variant.
Coding change: c.1529C>T on transcript NM_006514.4 (MANE Select); coding-DNA position 1529, C replaced by T.
Protein change: p.Pro510Leu; replaces proline 510 with leucine.
Molecular consequence: missense variant. On other transcripts: intron variant (1).
Genome position (GRCh38, 1-based): chr3:38,752,445, G>A on the plus strand (C>T on the coding strand, the complement: SCN10A is on the minus strand). VCF-style: chr3-38752445-G-A. GRCh37 (hg19) VCF-style: chr3-38793936-G-A.
Other names: c.1529C>T, p.Pro510Leu (NM_001293306.2); c.1462-2261C>T (NM_001293307.2); c.1529C>T (NM_006514.2); short protein forms P510L.
Identifiers: ClinVar variation 842350 (VCV000842350.5), dbSNP rs780315709, ClinGen allele CA2320817.
Genomic context (GRCh38, chr3:38,752,445, plus strand): 5'-TGGTCTCCAGGAAAGACTCCATCATCTGTGACTCCCTCAGGGAGTGAGATATCTCGGCCA[G>A]GGGACCGGAAATGGAACACACTGCCATGACTAGCCCGGCGTTTTCCAGAGGCGAGGCCTA-3'
Protein context (NP_006505.4, residues 500-520): SHGSVFHFRS[Pro510Leu]GRDISLPEGV

ClinVar aggregate classification (germline): Uncertain significance. Review status: criteria provided, multiple submitters, no conflicts (2 of 4 stars). 2 submissions from 2 submitters: Uncertain significance (2). Last evaluated 2024-10-28.

Conditions:
Cardiovascular phenotype. Identifiers: MedGen CN230736.
Brugada syndrome. Also called: Sudden unexplained nocturnal death syndrome; Sudden Unexplained Death Syndrome; Sudden Unexplained Nocturnal Death Syndrome (SUNDS); Sudden unexpected nocturnal death syndrome. Identifiers: Orphanet 130, MedGen C1142166, MONDO:0015263.

Allele frequency attached by ClinVar (database versions not stated): gnomAD 0.00001; TOPMed 0.00001; ExAC 0.00002; gnomAD exomes 0.00002 and 0.00003.
gnomAD v4.1: 51 of 1,612,876 alleles (0.0032%); highest among the groups gnomAD compares: Non-Finnish European, 0.0041%; no homozygotes.

Submissions (2):

Ambry Genetics
Classification: Uncertain significance for Cardiovascular phenotype. Last evaluated: 2024-10-28. Review status: criteria provided, single submitter. Criteria: Ambry Variant Classification Scheme 2023. Collection method: clinical testing. Allele origin: germline.
Comment: The p.P510L variant (also known as c.1529C>T), located in coding exon 11 of the SCN10A gene, results from a C to T substitution at nucleotide position 1529. The proline at codon 510 is replaced by leucine, an amino acid with similar properties. This amino acid position is well conserved in available vertebrate species. In addition, this alteration is predicted to be tolerated by in silico analysis. Based on the available evidence, the clinical significance of this variant remains unclear.

Labcorp Genetics (formerly Invitae), Labcorp
Classification: Uncertain significance for Brugada syndrome. Last evaluated: 2021-08-24. Review status: criteria provided, single submitter. Criteria: Invitae Variant Classification Sherloc (09022015). Collection method: clinical testing. Allele origin: germline.
Comment: This sequence change replaces proline with leucine at codon 510 of the SCN10A protein (p.Pro510Leu). The proline residue is moderately conserved and there is a moderate physicochemical difference between proline and leucine. This variant is present in population databases (rs780315709, ExAC 0.003%). This missense change has been observed in individual(s) with Lennox-Gastaut syndrome (PMID: 28078312). Algorithms developed to predict the effect of missense changes on protein structure and function (SIFT, PolyPhen-2, Align-GVGD) all suggest that this variant is likely to be tolerated. In summary, the available evidence is currently insufficient to determine the role of this variant in disease. Therefore, it has been classified as a Variant of Uncertain Significance.

Literature cited by the submitters: PubMed 28078312 (cited by Labcorp Genetics (formerly Invitae), Labcorp).